The following is an entry in ClinVar:

NM_177402.5(SYT2):c.920-4G>A

Gene: SYT2 (synaptotagmin 2; minus strand). Cytogenetic location: 1q32.1.
Variant type: single nucleotide variant.
Coding change: c.920-4G>A on transcript NM_177402.5 (MANE Select); 4 bases into the intron before coding-DNA position 920, G replaced by A.
Molecular consequence: intron variant.
Genome position (GRCh38, 1-based): chr1:202,599,355, C>T on the plus strand (G>A on the coding strand, the complement: SYT2 is on the minus strand). VCF-style: chr1-202599355-C-T. GRCh37 (hg19) VCF-style: chr1-202568483-C-T.
Other names: c.920-4G>A (NM_177402.4, NM_001136504.1).
Identifiers: ClinVar variation 1567367 (VCV001567367.13), dbSNP rs1189436103, ClinGen allele CA528129859.

ClinVar aggregate classification (germline): Likely benign. Review status: criteria provided, multiple submitters, no conflicts (2 of 4 stars). 4 submissions from 4 submitters: Likely benign (3). 1 of the submissions does not count toward it. Last evaluated 2025-12-28.

Conditions:
SYT2-related disorder. Also called: SYT2-related condition.

Allele frequency attached by ClinVar (database versions not stated): gnomAD 0.00001; gnomAD exomes 0.00001; TOPMed 0.00001.
gnomAD v4.1: 21 of 1,586,138 alleles (0.0013%); highest among the groups gnomAD compares: African/African-American, 0.0069%; no homozygotes.

Submissions (4):

Labcorp Genetics (formerly Invitae), Labcorp
Classification: Likely benign. Last evaluated: 2025-12-28. Review status: criteria provided, single submitter. Criteria: Invitae Variant Classification Sherloc (09022015). Collection method: clinical testing. Allele origin: germline.

Women's Health and Genetics/Laboratory Corporation of America, LabCorp
Classification: Likely benign. Last evaluated: 2025-07-23. Review status: criteria provided, single submitter. Criteria: LabCorp Variant Classification Summary - May 2015. Collection method: clinical testing. Allele origin: germline.
Comment: Variant summary: SYT2 c.920-4G>A alters a nucleotide located at a position not widely known to affect splicing. Consensus agreement among computation tools predict no significant impact on normal splicing. However, these predictions have yet to be confirmed by functional studies. The frequency data for this variant in gnomAD is considered unreliable, as metrics indicate poor data quality at this position. To our knowledge, no occurrence of c.920-4G>A in individuals affected with Congenital Myasthenic Syndrome 7 and no experimental evidence demonstrating its impact on protein function have been reported. ClinVar contains an entry for this variant (Variation ID: 1567367). Based on the evidence outlined above, the variant was classified as likely benign.

Blueprint Genetics
Classification: Likely benign. Last evaluated: 2021-12-16. Review status: criteria provided, single submitter. Criteria: ACMG Guidelines, 2015. Collection method: clinical testing. Allele origin: germline.

PreventionGenetics, part of Exact Sciences
Classification: Likely benign for SYT2-related condition. Last evaluated: 2022-03-28. Review status: no assertion criteria provided. Collection method: clinical testing. Allele origin: germline. Not counted in ClinVar's aggregate classification.
Comment: This variant is classified as likely benign based on ACMG/AMP sequence variant interpretation guidelines (Richards et al. 2015 PMID: 25741868, with internal and published modifications).